The following is an entry in ClinVar:

NM_004369.4(COL6A3):c.3716A>G (p.Asp1239Gly)

Gene: COL6A3 (collagen type VI alpha 3 chain; minus strand). Cytogenetic location: 2q37.3.
Variant type: single nucleotide variant.
Coding change: c.3716A>G on transcript NM_004369.4 (MANE Select); coding-DNA position 3716, A replaced by G.
Protein change: p.Asp1239Gly; replaces aspartic acid 1239 with glycine.
Molecular consequence: missense variant.
Genome position (GRCh38, 1-based): chr2:237,372,301, T>C on the plus strand (A>G on the coding strand, the complement: COL6A3 is on the minus strand). VCF-style: chr2-237372301-T-C. GRCh37 (hg19) VCF-style: chr2-238280944-T-C.
Other names: c.2495A>G, p.Asp832Gly (NM_057164.5); c.3098A>G, p.Asp1033Gly (NM_057165.5, NM_057167.4); c.1895A>G, p.Asp632Gly (NM_057166.5); short protein forms D1239G, D832G, D1033G, D632G.
Identifiers: ClinVar variation 1410961 (VCV001410961.8), dbSNP rs1190794379, ClinGen allele CA351199655.

ClinVar aggregate classification (germline): Uncertain significance (1 of 4 stars; one submission).

Conditions:
Bethlem myopathy 1A. Also called: Bethlem myopathy 1; Bethlem Muscular Dystrophy; MYOPATHY, BENIGN CONGENITAL, WITH CONTRACTURES. Identifiers: Orphanet 610, MedGen CN029274, MONDO:0024530, OMIM 158810.

Allele frequency attached by ClinVar (database versions not stated): gnomAD exomes below 0.00001 and 0.00002; TOPMed below 0.00001.
gnomAD v4.1: 21 of 1,610,982 alleles (0.0013%); highest among the groups gnomAD compares: Non-Finnish European, 0.0018%; no homozygotes.

Submission:

Labcorp Genetics (formerly Invitae), Labcorp
Classification: Uncertain significance for Bethlem myopathy 1A. Last evaluated: 2025-10-27. Review status: criteria provided, single submitter. Criteria: Invitae Variant Classification Sherloc (09022015). Collection method: clinical testing. Allele origin: germline.
Comment: This sequence change replaces aspartic acid, which is acidic and polar, with glycine, which is neutral and non-polar, at codon 1239 of the COL6A3 protein (p.Asp1239Gly). This variant is present in population databases (no rsID available, gnomAD 0.0009%). This variant has not been reported in the literature in individuals affected with COL6A3-related conditions. ClinVar contains an entry for this variant (Variation ID: 1410961). Invitae Evidence Modeling of protein sequence and biophysical properties (such as structural, functional, and spatial information, amino acid conservation, physicochemical variation, residue mobility, and thermodynamic stability) indicates that this missense variant is expected to disrupt COL6A3 protein function with a positive predictive value of 80%. In summary, the available evidence is currently insufficient to determine the role of this variant in disease. Therefore, it has been classified as a Variant of Uncertain Significance.